The following is an entry in ClinVar:

NM_015178.3(RHOBTB2):c.451G>A (p.Ala151Thr)

Gene: RHOBTB2 (Rho related BTB domain containing 2; plus strand). Cytogenetic location: 8p21.3.
Variant type: single nucleotide variant.
Coding change: c.451G>A on transcript NM_015178.3 (MANE Select); coding-DNA position 451, G replaced by A.
Protein change: p.Ala151Thr; replaces alanine 151 with threonine.
Molecular consequence: missense variant.
Genome position (GRCh38, 1-based): chr8:23,006,114, G>A. VCF-style: chr8-23006114-G-A. GRCh37 (hg19) VCF-style: chr8-22863627-G-A.
Other names: c.517G>A, p.Ala173Thr (NM_001160036.2); c.472G>A, p.Ala158Thr (NM_001160037.2); c.451G>A, p.Ala151Thr (NM_001374791.1); short protein forms A158T, A151T, A173T.
Identifiers: ClinVar variation 5008897 (VCV005008897.1).

ClinVar aggregate classification (germline): Uncertain significance (1 of 4 stars; one submission).

Submission:

GeneDx
Classification: Uncertain significance. Last evaluated: 2026-03-10. Review status: criteria provided, single submitter. Criteria: GeneDx Variant Classification Process June 2021. Collection method: clinical testing. Allele origin: germline.
Comment: Not observed at significant frequency in large population cohorts (gnomAD); In silico analysis suggests that this missense variant does not alter protein structure/function; Has not been previously published as pathogenic or benign to our knowledge